The following is an entry in ClinVar:

ClinVar aggregate classification (germline): Uncertain significance. Review status: criteria provided, multiple submitters, no conflicts (2 of 4 stars). 2 submissions from 2 submitters: Uncertain significance (2). Last evaluated 2024-10-09.

Conditions:
Brown-Vialetto-van Laere syndrome 2. Also called: SPINOCEREBELLAR ATAXIA WITH BLINDNESS AND DEAFNESS 2; Riboflavin transporter deficiency type 2. Identifiers: Orphanet 572543, Orphanet 97229, MedGen C3553538, MONDO:0013867, OMIM 614707.

Allele frequency attached by ClinVar (database versions not stated): ExAC 0.00001; TOPMed 0.00003; 1000 Genomes Project 30x 0.00016; gnomAD 0.00002 and 0.00004; gnomAD exomes 0.00002; 1000 Genomes Project 0.00020.

Submissions (2):

GeneDx
Classification: Uncertain significance. Last evaluated: 2024-10-09. Review status: criteria provided, single submitter. Criteria: GeneDx Variant Classification Process June 2021. Collection method: clinical testing. Allele origin: germline. Affected: yes.
Comment: Not observed at significant frequency in large population cohorts (gnomAD); In silico analysis supports that this missense variant has a deleterious effect on protein structure/function; Has not been previously published as pathogenic or benign to our knowledge

Labcorp Genetics (formerly Invitae), Labcorp
Classification: Uncertain significance for Brown-Vialetto-van Laere syndrome 2. Last evaluated: 2021-08-10. Review status: criteria provided, single submitter. Criteria: Invitae Variant Classification Sherloc (09022015). Collection method: clinical testing. Allele origin: germline.
Comment: This sequence change replaces arginine with cysteine at codon 190 of the SLC52A2 protein (p.Arg190Cys). The arginine residue is moderately conserved and there is a large physicochemical difference between arginine and cysteine. This variant is present in population databases (rs201705744, ExAC 0.01%). This variant has not been reported in the literature in individuals affected with SLC52A2-related conditions. Advanced modeling of protein sequence and biophysical properties (such as structural, functional, and spatial information, amino acid conservation, physicochemical variation, residue mobility, and thermodynamic stability) performed at Invitae indicates that this missense variant is expected to disrupt SLC52A2 protein function. In summary, the available evidence is currently insufficient to determine the role of this variant in disease. Therefore, it has been classified as a Variant of Uncertain Significance.

NM_001363118.2(SLC52A2):c.568C>T (p.Arg190Cys)

Gene: SLC52A2 (solute carrier family 52 member 2; plus strand). Cytogenetic location: 8q24.3.
Variant type: single nucleotide variant.
Coding change: c.568C>T on transcript NM_001363118.2 (MANE Select); coding-DNA position 568, C replaced by T.
Protein change: p.Arg190Cys; replaces arginine 190 with cysteine.
Molecular consequence: missense variant. On other transcripts: non-coding transcript variant (1), intron variant (1).
Genome position (GRCh38, 1-based): chr8:144,360,060, C>T. VCF-style: chr8-144360060-C-T. GRCh37 (hg19) VCF-style: chr8-145583720-C-T.
Other names: c.568C>T, p.Arg190Cys (NM_001253815.2, NM_001253816.2, NM_001363120.2 and 2 more transcripts); c.131-55C>T (NM_001363122.2); c.568C>T (NM_024531.4); short protein forms R190C.
Identifiers: ClinVar variation 1393681 (VCV001393681.4), dbSNP rs201705744, ClinGen allele CA4938225.